The following is an entry in ClinVar:

NM_000642.3(AGL):c.1160G>A (p.Arg387Gln)

Gene: AGL (amylo-alpha-1,6-glucosidase and 4-alpha-glucanotransferase; plus strand). Cytogenetic location: 1p21.2.
Variant type: single nucleotide variant.
Coding change: c.1160G>A on transcript NM_000642.3 (MANE Select); coding-DNA position 1160, G replaced by A.
Protein change: p.Arg387Gln; replaces arginine 387 with glutamine.
Molecular consequence: missense variant.
Genome position (GRCh38, 1-based): chr1:99,875,231, G>A. VCF-style: chr1-99875231-G-A. GRCh37 (hg19) VCF-style: chr1-100340787-G-A.
Other names: c.1160G>A, p.Arg387Gln (NM_000028.3, NM_000643.3, NM_000644.3 and 2 more transcripts); c.1112G>A, p.Arg371Gln (NM_000646.3); c.956G>A, p.Arg319Gln (NM_001425328.1, NM_001425329.1); c.782G>A, p.Arg261Gln (NM_001425332.1); short protein forms R387Q, R371Q, R261Q, R319Q.
Identifiers: ClinVar variation 199034 (VCV000199034.27), dbSNP rs17121464, ClinGen allele CA203716.

ClinVar aggregate classification (germline): Benign. Review status: criteria provided, multiple submitters, no conflicts (2 of 4 stars). 10 submissions from 10 submitters: Benign (8). 2 of the submissions do not count toward it. Last evaluated 2026-02-04.

Conditions:
Glycogen storage disease type III (GSD3). Also called: FORBES DISEASE; Cori disease. Identifiers: Orphanet 366, MedGen C0017922, MONDO:0009291, OMIM 232400.

Allele frequency attached by ClinVar (database versions not stated): ESP Exome Variant Server 0.00238; gnomAD 0.01447 and 0.02082; TOPMed 0.02660; ExAC 0.04756; gnomAD exomes 0.05244; 1000 Genomes Project 30x 0.07667; 1000 Genomes Project 0.07967.
gnomAD v4.1: 30,520 of 1,613,966 alleles (1.9%); highest among the groups gnomAD compares: East Asian, 19%; 2,309 homozygotes.

Submissions (10):

Labcorp Genetics (formerly Invitae), Labcorp
Classification: Benign for Glycogen storage disease type III. Last evaluated: 2026-02-04. Review status: criteria provided, single submitter. Criteria: Invitae Variant Classification Sherloc (09022015). Collection method: clinical testing. Allele origin: germline.

Blueprint Genetics
Classification: Benign. Last evaluated: 2024-11-26. Review status: criteria provided, single submitter. Criteria: ACMG Guidelines, 2015. Collection method: clinical testing. Allele origin: germline.

Genome-Nilou Lab
Classification: Benign for Glycogen storage disease type III. Last evaluated: 2021-07-15. Review status: criteria provided, single submitter. Criteria: ACMG Guidelines, 2015. Collection method: clinical testing. Allele origin: germline. Affected: no.

Illumina Laboratory Services, Illumina
Classification: Benign for Glycogen storage disease type III. Last evaluated: 2018-01-13. Review status: criteria provided, single submitter. Criteria: ICSL Variant Classification Criteria 13 December 2019. Collection method: clinical testing. Allele origin: germline.
Comment: This variant was observed in the ICSL laboratory as part of a predisposition screen in an ostensibly healthy population. It had not been previously curated by ICSL or reported in the Human Gene Mutation Database (HGMD: prior to June 1st, 2018), and was therefore a candidate for classification through an automated scoring system. Utilizing variant allele frequency, disease prevalence and penetrance estimates, and inheritance mode, an automated score was calculated to assess if this variant is too frequent to cause the disease. Based on the score and internal cut-off values, a variant classified as benign is not then subjected to further curation. The score for this variant resulted in a classification of benign for this disease.

GeneDx
Classification: Benign. Last evaluated: 2016-02-03. Review status: criteria provided, single submitter. Criteria: GeneDx Variant Classification (06012015). Collection method: clinical testing. Allele origin: germline. Affected: yes.
Comment: This variant is considered likely benign or benign based on one or more of the following criteria: it is a conservative change, it occurs at a poorly conserved position in the protein, it is predicted to be benign by multiple in silico algorithms, and/or has population frequency not consistent with disease.

Eurofins Ntd Llc (ga)
Classification: Benign. Last evaluated: 2014-07-10. Review status: criteria provided, single submitter. Criteria: EGL Classification Definitions 2015. Collection method: clinical testing. Allele origin: germline. Observed: 2 variant alleles, 2 heterozygotes.

Breakthrough Genomics
Classification: Benign. Review status: criteria provided, single submitter. Criteria: ACMG Guidelines, 2015. Collection method: not provided. Allele origin: germline. Inheritance: Autosomal recessive inheritance. Affected: yes.

PreventionGenetics, part of Exact Sciences
Classification: Benign. Review status: criteria provided, single submitter. Criteria: ACMG Guidelines, 2015. Collection method: clinical testing. Allele origin: germline.

Natera, Inc.
Classification: Benign for Glycogen storage disease type III. Last evaluated: 2020-09-16. Review status: no assertion criteria provided. Collection method: clinical testing. Allele origin: germline. Not counted in ClinVar's aggregate classification.

Mayo Clinic Laboratories, Mayo Clinic
Classification: Benign. Last evaluated: 2015-10-26. Review status: no assertion criteria provided. Collection method: clinical testing. Allele origin: unknown. Not counted in ClinVar's aggregate classification.